The following is an entry in ClinVar:

ClinVar aggregate classification (germline): Likely benign (1 of 4 stars; one submission).

Allele frequency attached by ClinVar (database versions not stated): ESP Exome Variant Server 0.00015; gnomAD 0.00018; ExAC 0.00026.
gnomAD v4.1: 279 of 1,613,754 alleles (0.017%); highest among the groups gnomAD compares: South Asian, 0.045%; no homozygotes.

Submission:

CeGaT Center for Human Genetics Tuebingen
Classification: Likely benign. Last evaluated: 2022-03-01. Review status: criteria provided, single submitter. Criteria: CeGaT Center For Human Genetics Tuebingen Variant Classification Criteria Version 2. Collection method: clinical testing. Allele origin: germline. Affected: yes. Observed: 1 variant allele.
Comment: TUBGCP2: BP4, BP7

NM_006659.4(TUBGCP2):c.882C>T (p.Ala294=)

Genes: TUBGCP2 (tubulin gamma complex component 2; minus strand), LOC126861106 (P300/CBP strongly-dependent group 1 enhancer GRCh37_chr10:135106330-135107529; plus strand). Cytogenetic location: 10q26.3.
Variant type: single nucleotide variant.
Coding change: c.882C>T on transcript NM_006659.4 (MANE Select); coding-DNA position 882, C replaced by T.
Protein change: p.Ala294=; no amino-acid change (alanine 294 retained).
Molecular consequence: synonymous variant. On other transcripts: non-coding transcript variant (1).
Genome position (GRCh38, 1-based): chr10:133,293,181, G>A on the plus strand (C>T on the coding strand, the complement: TUBGCP2 is on the minus strand). VCF-style: chr10-133293181-G-A. GRCh37 (hg19) VCF-style: chr10-135106685-G-A.
Other names: c.966C>T, p.Ala322= (NM_001256617.2); c.492C>T, p.Ala164= (NM_001256618.2).
Identifiers: ClinVar variation 2641021 (VCV002641021.24), dbSNP rs145624268, ClinGen allele CA5764332.